The following is an entry in ClinVar:

NM_000130.5(F5):c.*2328G>C

Gene: F5 (coagulation factor V; minus strand). Cytogenetic location: 1q24.2.
Variant type: single nucleotide variant.
Coding change: c.*2328G>C on transcript NM_000130.5 (MANE Select); 2328 bases downstream of the stop codon, G replaced by C.
Molecular consequence: 3 prime UTR variant.
Genome position (GRCh38, 1-based): chr1:169,511,985, C>G on the plus strand (G>C on the coding strand, the complement: F5 is on the minus strand). VCF-style: chr1-169511985-C-G. GRCh37 (hg19) VCF-style: chr1-169481223-C-G.
Identifiers: ClinVar variation 293541 (VCV000293541.6), dbSNP rs6427196, ClinGen allele CA10608686.

ClinVar aggregate classification (germline): Benign. Review status: criteria provided, single submitter (1 of 4 stars). 3 submissions from 1 submitter: Benign (3). Last evaluated 2018-01-12.

Conditions:
Factor V deficiency. Also called: Reduced coagulation factor V activity. Identifiers: Orphanet 326, MedGen C4317320, MONDO:0020586, HP:0003225.
Thrombophilia due to thrombin defect (THPH1). Also called: Thrombosis susceptibility; THROMBOPHILIA DUE TO FACTOR 2 DEFECT; Prothrombin-Related Thrombophilia (Factor II); Prothrombin Thrombophilia. Identifiers: MedGen C3160733, MONDO:0008559, OMIM 188050. Disease mechanism: gain of function, loss of function.
Budd-Chiari syndrome (BDCHS). Also called: Hepatic vein obstruction. Identifiers: Orphanet 131, MedGen C0856761, MONDO:0010947, OMIM 600880, HP:0002639.

Allele frequency attached by ClinVar (database versions not stated): TOPMed 0.90298; 1000 Genomes Project 0.91234.
gnomAD v4.1: 137,931 of 152,052 alleles (91%); highest among the groups gnomAD compares: East Asian, 100%; 62,765 homozygotes.

Submissions (3):

Illumina Laboratory Services, Illumina
Classification: Benign for Venous thrombosis. Last evaluated: 2018-01-12. Review status: criteria provided, single submitter. Criteria: ICSL Variant Classification Criteria 13 December 2019. Collection method: clinical testing. Allele origin: germline.
Comment: This variant was observed in the ICSL laboratory as part of a predisposition screen in an ostensibly healthy population. It had not been previously curated by ICSL or reported in the Human Gene Mutation Database (HGMD: prior to June 1st, 2018), and was therefore a candidate for classification through an automated scoring system. Utilizing variant allele frequency, disease prevalence and penetrance estimates, and inheritance mode, an automated score was calculated to assess if this variant is too frequent to cause the disease. Based on the score and internal cut-off values, a variant classified as benign is not then subjected to further curation. The score for this variant resulted in a classification of benign for this disease.

Illumina Laboratory Services, Illumina
Classification: Benign for Budd-Chiari syndrome. Last evaluated: 2018-01-12. Review status: criteria provided, single submitter. Criteria: ICSL Variant Classification Criteria 13 December 2019. Collection method: clinical testing. Allele origin: germline.
Comment: the same text as in the submission from Illumina Laboratory Services, Illumina above.

Illumina Laboratory Services, Illumina
Classification: Benign for Congenital factor V deficiency. Last evaluated: 2018-01-12. Review status: criteria provided, single submitter. Criteria: ICSL Variant Classification Criteria 13 December 2019. Collection method: clinical testing. Allele origin: germline.
Comment: the same text as in the submission from Illumina Laboratory Services, Illumina above.